The following is an entry in ClinVar:

ClinVar aggregate classification (germline): Uncertain significance (1 of 4 stars; one submission).

Conditions:
Beta-D-mannosidosis (MANSB). Also called: MANNOSIDOSIS, BETA A, LYSOSOMAL; BETA-MANNOSIDASE DEFICIENCY; LYSOSOMAL BETA-MANNOSIDASE DEFICIENCY; Beta-Mannosidosis. Identifiers: Orphanet 118, MedGen C4048196, MONDO:0009562, OMIM 248510.

Allele frequency attached by ClinVar (database versions not stated): ExAC 0.00002; gnomAD 0.00002; gnomAD exomes 0.00002 and 0.00005; TOPMed 0.00002.

Submission:

Labcorp Genetics (formerly Invitae), Labcorp
Classification: Uncertain significance for Beta-D-mannosidosis. Last evaluated: 2022-08-20. Review status: criteria provided, single submitter. Criteria: Invitae Variant Classification Sherloc (09022015). Collection method: clinical testing. Allele origin: germline.
Comment: This sequence change replaces aspartic acid, which is acidic and polar, with glycine, which is neutral and non-polar, at codon 480 of the MANBA protein (p.Asp480Gly). This variant is present in population databases (rs201830848, gnomAD 0.004%). This variant has not been reported in the literature in individuals affected with MANBA-related conditions. ClinVar contains an entry for this variant (Variation ID: 1388428). Algorithms developed to predict the effect of missense changes on protein structure and function are either unavailable or do not agree on the potential impact of this missense change (SIFT: "Deleterious"; PolyPhen-2: "Probably Damaging"; Align-GVGD: "Class C15"). In summary, the available evidence is currently insufficient to determine the role of this variant in disease. Therefore, it has been classified as a Variant of Uncertain Significance.

NM_005908.4(MANBA):c.1439A>G (p.Asp480Gly)

Gene: MANBA (mannosidase beta; minus strand). Cytogenetic location: 4q24.
Variant type: single nucleotide variant.
Coding change: c.1439A>G on transcript NM_005908.4 (MANE Select); coding-DNA position 1439, A replaced by G.
Protein change: p.Asp480Gly; replaces aspartic acid 480 with glycine.
Molecular consequence: missense variant.
Genome position (GRCh38, 1-based): chr4:102,664,731, T>C on the plus strand (A>G on the coding strand, the complement: MANBA is on the minus strand). VCF-style: chr4-102664731-T-C. GRCh37 (hg19) VCF-style: chr4-103585888-T-C.
Other names: short protein forms D480G.
Identifiers: ClinVar variation 1388428 (VCV001388428.5), dbSNP rs201830848, ClinGen allele CA3026906.